The following is an entry in ClinVar:

ClinVar aggregate classification (germline): Uncertain significance (1 of 4 stars; one submission).

Submission:

Labcorp Genetics (formerly Invitae), Labcorp
Classification: Uncertain significance. Last evaluated: 2024-11-27. Review status: criteria provided, single submitter. Criteria: Invitae Variant Classification Sherloc (09022015). Collection method: clinical testing. Allele origin: germline.
Comment: This sequence change replaces arginine, which is basic and polar, with isoleucine, which is neutral and non-polar, at codon 41 of the TMEM106B protein (p.Arg41Ile). This variant is not present in population databases (gnomAD no frequency). This variant has not been reported in the literature in individuals affected with TMEM106B-related conditions. Invitae Evidence Modeling of protein sequence and biophysical properties (such as structural, functional, and spatial information, amino acid conservation, physicochemical variation, residue mobility, and thermodynamic stability) indicates that this missense variant is not expected to disrupt TMEM106B protein function with a negative predictive value of 80%. In summary, the available evidence is currently insufficient to determine the role of this variant in disease. Therefore, it has been classified as a Variant of Uncertain Significance.

NM_001134232.2(TMEM106B):c.122G>T (p.Arg41Ile)

Gene: TMEM106B (transmembrane protein 106B; plus strand). Cytogenetic location: 7p21.3.
Variant type: single nucleotide variant.
Coding change: c.122G>T on transcript NM_001134232.2 (MANE Select); coding-DNA position 122, G replaced by T.
Protein change: p.Arg41Ile; replaces arginine 41 with isoleucine.
Molecular consequence: missense variant.
Genome position (GRCh38, 1-based): chr7:12,214,932, G>T. VCF-style: chr7-12214932-G-T. GRCh37 (hg19) VCF-style: chr7-12254558-G-T.
Other names: c.122G>T, p.Arg41Ile (NM_018374.4); short protein forms R41I.
Identifiers: ClinVar variation 3663129 (VCV003663129.2).